The following is an entry in ClinVar:

NM_001985.3(ETFB):c.697C>T (p.Arg233Cys)

Gene: ETFB (electron transfer flavoprotein subunit beta; minus strand). Cytogenetic location: 19q13.41.
Variant type: single nucleotide variant.
Coding change: c.697C>T on transcript NM_001985.3 (MANE Select); coding-DNA position 697, C replaced by T.
Protein change: p.Arg233Cys; replaces arginine 233 with cysteine.
Molecular consequence: missense variant.
Genome position (GRCh38, 1-based): chr19:51,345,282, G>A on the plus strand (C>T on the coding strand, the complement: ETFB is on the minus strand). VCF-style: chr19-51345282-G-A. GRCh37 (hg19) VCF-style: chr19-51848536-G-A.
Other names: c.970C>T, p.Arg324Cys (NM_001014763.1); short protein forms R233C, R324C.
Identifiers: ClinVar variation 529452 (VCV000529452.8), dbSNP rs761714465, ClinGen allele CA9610679.

ClinVar aggregate classification (germline): Uncertain significance. Review status: criteria provided, multiple submitters, no conflicts (2 of 4 stars). 4 submissions from 4 submitters: Uncertain significance (4). Last evaluated 2025-10-01.

Conditions:
Inborn genetic diseases. Identifiers: MedGen C0950123, MeSH D030342.
Multiple acyl-CoA dehydrogenase deficiency (MADD). Also called: Glutaric Acidemia type 2; ETHYLMALONIC-ADIPICACIDURIA; GA II; Glutaric aciduria, type 2; Glutaric acidemia type II; GA 2. Identifiers: Orphanet 26791, MedGen C0268596, MONDO:0009282, OMIM 231680.

Allele frequency attached by ClinVar (database versions not stated): ExAC 0.00002.
gnomAD v4.1: 80 of 1,614,020 alleles (0.005%); highest among the groups gnomAD compares: Admixed American, 0.085%; no homozygotes.

Submissions (4):

Ambry Genetics
Classification: Uncertain significance for Inborn genetic diseases. Last evaluated: 2025-10-01. Review status: criteria provided, single submitter. Criteria: Ambry Variant Classification Scheme 2023. Collection method: clinical testing. Allele origin: germline.
Comment: The c.697C>T (p.R233C) alteration is located in exon 6 (coding exon 6) of the ETFB gene. This alteration results from a C to T substitution at nucleotide position 697, causing the arginine (R) at amino acid position 233 to be replaced by a cysteine (C). Based on data from gnomAD, the T allele has an overall frequency of 0.01% (28/282846) total alleles studied. The highest observed frequency was 0.056% (20/35438) of Latino alleles. Based on insufficient or conflicting evidence, the clinical significance of this alteration remains unclear.

Dasa
Classification: Uncertain significance. Last evaluated: 2025-04-25. Review status: criteria provided, single submitter. Criteria: DASA Assertion Criteria. Collection method: clinical testing. Allele origin: germline.
Comment: NM_001985.3(ETFB):c.697C>T (p.Arg233Cys) is a missense variant that results in the substitution of arginine with cysteine. This variant is rare in population databases. Computational prediction algorithms are consistent with a deleterious effect. The currently available literature and clinical evidence are not sufficient to establish a definitive association between this variant and the reported condition. Therefore, this variant is classified as a variant of uncertain significance.

GeneDx
Classification: Uncertain significance. Last evaluated: 2024-07-16. Review status: criteria provided, single submitter. Criteria: GeneDx Variant Classification Process June 2021. Collection method: clinical testing. Allele origin: germline. Affected: yes.
Comment: In silico analysis supports that this missense variant has a deleterious effect on protein structure/function; Has not been previously published as pathogenic or benign to our knowledge

Labcorp Genetics (formerly Invitae), Labcorp
Classification: Uncertain significance for Multiple acyl-CoA dehydrogenase deficiency. Last evaluated: 2022-09-01. Review status: criteria provided, single submitter. Criteria: Invitae Variant Classification Sherloc (09022015). Collection method: clinical testing. Allele origin: germline.
Comment: This sequence change replaces arginine, which is basic and polar, with cysteine, which is neutral and slightly polar, at codon 233 of the ETFB protein (p.Arg233Cys). This variant is present in population databases (rs761714465, gnomAD 0.06%). This variant has not been reported in the literature in individuals affected with ETFB-related conditions. ClinVar contains an entry for this variant (Variation ID: 529452). Algorithms developed to predict the effect of missense changes on protein structure and function (SIFT, PolyPhen-2, Align-GVGD) all suggest that this variant is likely to be disruptive. In summary, the available evidence is currently insufficient to determine the role of this variant in disease. Therefore, it has been classified as a Variant of Uncertain Significance.